The following is an entry in ClinVar:

ClinVar aggregate classification (germline): Conflicting classifications of pathogenicity. Review status: criteria provided, conflicting classifications (1 of 4 stars). 2 submissions from 2 submitters: Uncertain significance (1); Likely benign (1). Last evaluated 2020-02-28.

Allele frequency attached by ClinVar (database versions not stated): ExAC 0.00024; gnomAD exomes 0.00027 and 0.00009; 1000 Genomes Project 0.00040; 1000 Genomes Project 30x 0.00047; ESP Exome Variant Server 0.00008; gnomAD 0.00010 and 0.00011; TOPMed 0.00012.
gnomAD v4.1: 172 of 1,614,158 alleles (0.011%); highest among the groups gnomAD compares: Admixed American, 0.07%; no homozygotes.

Submissions (2):

GeneDx
Classification: Likely benign. Last evaluated: 2020-02-28. Review status: criteria provided, single submitter. Criteria: GeneDx Variant Classification Process June 2021. Collection method: clinical testing. Allele origin: germline. Affected: yes.

Laboratory for Molecular Medicine, Mass General Brigham Personalized Medicine
Classification: Uncertain significance. Last evaluated: 2012-07-30. Review status: criteria provided, single submitter. Criteria: LMM Criteria. Collection method: clinical testing. Allele origin: germline. Observed: 1 variant allele.
Comment: Variant classified as Uncertain Significance - Favor Benign. The *8A>C variant i n DTNA has been identified in 1/8220 European American chromosomes from a broad population by the NHLBI Exome Sequencing Project (VS/; dbSNP rs191973037). This variant occurs in the 3' untranslated region (3' U TR) and does not affect the coding sequence of the gene. Although this region ca n contain elements that regulate mRNA, there is no obvious predicted effect of t his variant and no other pathogenic variants have been reported in the 3' UTR re gion of the DTNA gene. Although this data supports that the *8A>C variant may be benign, additional studies are needed to fully assess its clinical significance .

NM_001386795.1(DTNA):c.1086-321A>C

Gene: DTNA (dystrobrevin alpha; plus strand). Cytogenetic location: 18q12.1.
Variant type: single nucleotide variant.
Coding change: c.1086-321A>C on transcript NM_001386795.1 (MANE Select); 321 bases into the intron before coding-DNA position 1086, A replaced by C.
Molecular consequence: intron variant. On other transcripts: 3 prime UTR variant (5).
Genome position (GRCh38, 1-based): chr18:34,829,079, A>C. VCF-style: chr18-34829079-A-C. GRCh37 (hg19) VCF-style: chr18-32409043-A-C.
Other names: c.*8A>C; c.*8A>C (NM_001128175.2, NM_001386775.1, NM_001386776.1 and 2 more transcripts); c.1094+1403A>C (NM_032975.4, NM_001386761.1, NM_001386762.1 and 3 more transcripts); c.1086-321A>C (NM_001386754.1, NM_001386755.1, NM_001386760.1 and 6 more transcripts); c.1085+1403A>C (NM_001386763.1, NM_001386764.1, NM_001386768.1 and 14 more transcripts); c.603+16966A>C (NM_001198945.2); c.335+1403A>C (NM_001198943.1); c.132-321A>C (NM_001198942.1, NM_001198944.1); and 1 more.
Identifiers: ClinVar variation 43959 (VCV000043959.6), dbSNP rs191973037, ClinGen allele CA133239.